The following is an entry in ClinVar:

ClinVar aggregate classification (germline): Uncertain significance. Review status: criteria provided, multiple submitters, no conflicts (2 of 4 stars). 2 submissions from 2 submitters: Uncertain significance (2). Last evaluated 2023-12-28.

Conditions:
Inborn genetic diseases. Identifiers: MedGen C0950123, MeSH D030342.

Allele frequency attached by ClinVar (database versions not stated): gnomAD exomes below 0.00001; gnomAD 0.00001; TOPMed 0.00001.
gnomAD v4.1: 4 of 1,614,072 alleles (0.00025%); highest among the groups gnomAD compares: Admixed American, 0.005%; no homozygotes.

Submissions (2):

Ambry Genetics
Classification: Uncertain significance for Inborn genetic diseases. Last evaluated: 2023-12-28. Review status: criteria provided, single submitter. Criteria: Ambry Variant Classification Scheme 2023. Collection method: clinical testing. Allele origin: germline.

Labcorp Genetics (formerly Invitae), Labcorp
Classification: Uncertain significance. Last evaluated: 2021-12-23. Review status: criteria provided, single submitter. Criteria: Invitae Variant Classification Sherloc (09022015). Collection method: clinical testing. Allele origin: germline.
Comment: In summary, the available evidence is currently insufficient to determine the role of this variant in disease. Therefore, it has been classified as a Variant of Uncertain Significance. This sequence change replaces isoleucine, which is neutral and non-polar, with threonine, which is neutral and polar, at codon 212 of the MGME1 protein (p.Ile212Thr). This variant is present in population databases (no rsID available, gnomAD 0.007%). This variant has not been reported in the literature in individuals affected with MGME1-related conditions. Algorithms developed to predict the effect of missense changes on protein structure and function are either unavailable or do not agree on the potential impact of this missense change (SIFT: "Deleterious"; PolyPhen-2: "Benign"; Align-GVGD: "Class C25").

NM_052865.4(MGME1):c.635T>C (p.Ile212Thr)

Gene: MGME1 (mitochondrial genome maintenance exonuclease 1; plus strand). Cytogenetic location: 20p11.23.
Variant type: single nucleotide variant.
Coding change: c.635T>C on transcript NM_052865.4 (MANE Select); coding-DNA position 635, T replaced by C.
Protein change: p.Ile212Thr; replaces isoleucine 212 with threonine.
Molecular consequence: missense variant. On other transcripts: intron variant (1).
Genome position (GRCh38, 1-based): chr20:17,975,807, T>C. VCF-style: chr20-17975807-T-C. GRCh37 (hg19) VCF-style: chr20-17956450-T-C.
Other names: c.680T>C, p.Ile227Thr (NM_001310338.2); c.395T>C, p.Ile132Thr (NM_001363738.2); c.511+5437T>C (NM_001310339.2); c.635T>C (NM_052865.2); short protein forms I132T, I212T, I227T.
Identifiers: ClinVar variation 2416894 (VCV002416894.5), dbSNP rs1292847992, ClinGen allele CA408340693.